The following is an entry in ClinVar:

NM_002485.5(NBN):c.226A>G (p.Thr76Ala)

Gene: NBN (nibrin; minus strand). Cytogenetic location: 8q21.3.
Variant type: single nucleotide variant.
Coding change: c.226A>G on transcript NM_002485.5 (MANE Select); coding-DNA position 226, A replaced by G.
Protein change: p.Thr76Ala; replaces threonine 76 with alanine.
Molecular consequence: missense variant. On other transcripts: 5 prime UTR variant (1).
Genome position (GRCh38, 1-based): chr8:89,981,469, T>C on the plus strand (A>G on the coding strand, the complement: NBN is on the minus strand). VCF-style: chr8-89981469-T-C. GRCh37 (hg19) VCF-style: chr8-90993697-T-C.
Other names: c.-21A>G (NM_001024688.3); short protein forms T76A.
Identifiers: ClinVar variation 820988 (VCV000820988.5), dbSNP rs1586108851, ClinGen allele CA371662530.

ClinVar aggregate classification (germline): Uncertain significance. Review status: criteria provided, multiple submitters, no conflicts (2 of 4 stars). 2 submissions from 2 submitters: Uncertain significance (2). Last evaluated 2024-03-13.

Conditions:
Aplastic anemia. Identifiers: Orphanet 182040, Orphanet 88, MedGen C0002874, MONDO:0015909, OMIM 609135, HP:0001915.
Hereditary cancer-predisposing syndrome. Also called: Neoplastic Syndromes, Hereditary; Tumor predisposition; Hereditary Cancer Syndrome; Hereditary neoplastic syndrome. Identifiers: Orphanet 140162, MedGen C0027672, MeSH D009386, MONDO:0015356.

Submissions (2):

Baylor Genetics
Classification: Uncertain significance for Aplastic anemia. Last evaluated: 2024-03-13. Review status: criteria provided, single submitter. Criteria: ACMG Guidelines, 2015. Collection method: clinical testing. Allele origin: unknown.

Ambry Genetics
Classification: Uncertain significance for Hereditary cancer-predisposing syndrome. Last evaluated: 2018-09-30. Review status: criteria provided, single submitter. Criteria: Ambry Variant Classification Scheme 2023. Collection method: clinical testing. Allele origin: germline.
Comment: The p.T76A variant (also known as c.226A>G), located in coding exon 3 of the NBN gene, results from an A to G substitution at nucleotide position 226. The threonine at codon 76 is replaced by alanine, an amino acid with similar properties. This amino acid position is highly conserved in available vertebrate species. In addition, this alteration is predicted to be deleterious by in silico analysis. Since supporting evidence is limited at this time, the clinical significance of this alteration remains unclear.